The following is an entry in ClinVar:

ClinVar aggregate classification (germline): Conflicting classifications of pathogenicity. Review status: criteria provided, conflicting classifications (1 of 4 stars). 5 submissions from 5 submitters: Uncertain significance (1); Likely benign (4). Last evaluated 2025-12-16.

Conditions:
Progressive sclerosing poliodystrophy (MTDPS4A). Also called: Alpers Syndrome; Mitochondrial DNA depletion syndrome 4A (Alpers type); Mitochondrial DNA Depletion Syndrome 4A; Alpers-Huttenlocher Syndrome (AHS); ALPERS PROGRESSIVE INFANTILE POLIODYSTROPHY; ALPERS DIFFUSE DEGENERATION OF CEREBRAL GRAY MATTER WITH HEPATIC CIRRHOSIS. Identifiers: Orphanet 726, MedGen C0205710, MONDO:0008758, OMIM 203700.
Inborn genetic diseases. Identifiers: MedGen C0950123, MeSH D030342.

Allele frequency attached by ClinVar (database versions not stated): ExAC 0.00002; gnomAD 0.00002; gnomAD exomes 0.00002 and 0.00003; TOPMed 0.00006; ESP Exome Variant Server 0.00008.
gnomAD v4.1: 52 of 1,613,864 alleles (0.0032%); highest among the groups gnomAD compares: East Asian, 0.0089%; no homozygotes.

Submissions (5):

Labcorp Genetics (formerly Invitae), Labcorp
Classification: Likely benign for Progressive sclerosing poliodystrophy. Last evaluated: 2025-12-16. Review status: criteria provided, single submitter. Criteria: Invitae Variant Classification Sherloc (09022015). Collection method: clinical testing. Allele origin: germline.

Blueprint Genetics
Classification: Likely benign. Last evaluated: 2024-01-26. Review status: criteria provided, single submitter. Criteria: ACMG Guidelines, 2015. Collection method: clinical testing. Allele origin: germline.

GeneDx
Classification: Likely benign. Last evaluated: 2018-05-22. Review status: criteria provided, single submitter. Criteria: GeneDx Variant Classification (06012015). Collection method: clinical testing. Allele origin: germline. Affected: yes.
Comment: This variant is considered likely benign or benign based on one or more of the following criteria: it is a conservative change, it occurs at a poorly conserved position in the protein, it is predicted to be benign by multiple in silico algorithms, and/or has population frequency not consistent with disease.

Eurofins Ntd Llc (ga)
Classification: Uncertain significance. Last evaluated: 2018-03-19. Review status: criteria provided, single submitter. Criteria: EGL ClinVar v180209 classification definitions. Collection method: clinical testing. Allele origin: germline. Observed: 1 variant allele, 1 heterozygote.

Ambry Genetics
Classification: Likely benign for Inborn genetic diseases. Last evaluated: 2017-11-29. Review status: criteria provided, single submitter. Criteria: Ambry Variant Classification Scheme 2023. Collection method: clinical testing. Allele origin: germline.

NM_002693.3(POLG):c.3630C>T (p.Tyr1210=)

Gene: POLG (DNA polymerase gamma, catalytic subunit; minus strand). Cytogenetic location: 15q26.1.
Variant type: single nucleotide variant.
Coding change: c.3630C>T on transcript NM_002693.3 (MANE Select); coding-DNA position 3630, C replaced by T.
Protein change: p.Tyr1210=; no amino-acid change (tyrosine 1210 retained).
Molecular consequence: synonymous variant.
Genome position (GRCh38, 1-based): chr15:89,317,389, G>A on the plus strand (C>T on the coding strand, the complement: POLG is on the minus strand). VCF-style: chr15-89317389-G-A. GRCh37 (hg19) VCF-style: chr15-89860620-G-A.
Other names: c.3630C>T, p.Tyr1210= (NM_001126131.2).
Identifiers: ClinVar variation 596562 (VCV000596562.19), dbSNP rs139562274, ClinGen allele CA7724082.